The following is an entry in ClinVar:

ClinVar aggregate classification (germline): Pathogenic (1 of 4 stars; one submission).

Submission:

Labcorp Genetics (formerly Invitae), Labcorp
Classification: Pathogenic. Last evaluated: 2024-03-15. Review status: criteria provided, single submitter. Criteria: Invitae Variant Classification Sherloc (09022015). Collection method: clinical testing. Allele origin: germline.
Comment: This sequence change creates a premature translational stop signal (p.Gln219*) in the MERTK gene. It is expected to result in an absent or disrupted protein product. Loss-of-function variants in MERTK are known to be pathogenic (PMID: 24265693, 29659094). This variant is not present in population databases (gnomAD no frequency). This variant has not been reported in the literature in individuals affected with MERTK-related conditions. For these reasons, this variant has been classified as Pathogenic.

Literature cited by the submitters: PubMed 24265693; PubMed 29659094.

NM_006343.3(MERTK):c.655C>T (p.Gln219Ter)

Gene: MERTK (MER proto-oncogene, tyrosine kinase; plus strand). Cytogenetic location: 2q13.
Variant type: single nucleotide variant.
Coding change: c.655C>T on transcript NM_006343.3 (MANE Select); coding-DNA position 655, C replaced by T.
Protein change: p.Gln219Ter; replaces glutamine 219 with a stop codon.
Molecular consequence: nonsense.
Genome position (GRCh38, 1-based): chr2:111,947,465, C>T. VCF-style: chr2-111947465-C-T. GRCh37 (hg19) VCF-style: chr2-112705042-C-T.
Other names: short protein forms Q219*.
Identifiers: ClinVar variation 3646068 (VCV003646068.2).